The following is an entry in ClinVar:

ClinVar aggregate classification (germline): Benign. Review status: criteria provided, multiple submitters, no conflicts (2 of 4 stars). 2 submissions from 2 submitters: Benign (2). Last evaluated 2018-06-14.

Allele frequency attached by ClinVar (database versions not stated): ESP Exome Variant Server 0.00038; gnomAD exomes 0.00219 and 0.00748; gnomAD 0.00234 and 0.00324; TOPMed 0.00416; ExAC 0.00657; 1000 Genomes Project 30x 0.01530; 1000 Genomes Project 0.01697.
gnomAD v4.1: 3,737 of 1,579,980 alleles (0.24%); highest among the groups gnomAD compares: East Asian, 5.5%; 99 homozygotes.

Submissions (2):

GeneDx
Classification: Benign. Last evaluated: 2018-06-14. Review status: criteria provided, single submitter. Criteria: GeneDx Variant Classification (06012015). Collection method: clinical testing. Allele origin: germline. Affected: yes.
Comment: This variant is considered likely benign or benign based on one or more of the following criteria: it is a conservative change, it occurs at a poorly conserved position in the protein, it is predicted to be benign by multiple in silico algorithms, and/or has population frequency not consistent with disease.

Breakthrough Genomics
Classification: Benign. Review status: criteria provided, single submitter. Criteria: ACMG Guidelines, 2015. Collection method: not provided. Allele origin: germline. Inheritance: Autosomal dominant inheritance. Affected: yes.

NM_001148.6(ANK2):c.891+34T>G

Gene: ANK2 (ankyrin 2; plus strand). Cytogenetic location: 4q26.
Variant type: single nucleotide variant.
Coding change: c.891+34T>G on transcript NM_001148.6 (MANE Select); 34 bases into the intron after coding-DNA position 891, T replaced by G.
Molecular consequence: intron variant.
Genome position (GRCh38, 1-based): chr4:113,242,243, T>G. VCF-style: chr4-113242243-T-G. GRCh37 (hg19) VCF-style: chr4-114163399-T-G.
Other names: c.879+34T>G (NM_001386186.2, NM_001386148.2, NM_001354269.3); c.855+34T>G (NM_001386187.2); c.849+34T>G (NM_001386147.1, NM_001386160.1, NM_001354261.2); c.828+34T>G (NM_001354254.2, NM_001354239.2, NM_001354252.2 and 14 more transcripts); c.804+34T>G (NM_001354249.2, NM_001354266.2, NM_001354276.2 and 16 more transcripts); c.936+34T>G (NM_001354241.2, NM_001386152.1, NM_001354237.2 and 5 more transcripts); c.891+34T>G (NM_001354225.2, NM_001354235.2, NM_001354246.2 and 9 more transcripts); c.942+34T>G (NM_001386174.1); and 1 more.
Identifiers: ClinVar variation 675821 (VCV000675821.2), dbSNP rs362504, ClinGen allele CA3050133.
Genomic context (GRCh38, chr4:113,242,243, plus strand): 5'-GGCGGTCAGATCGATGCCAAAACTAGGGTGAGTGTCTCTGTTCTTTCAATTTTCTACCAT[T>G]ATTATTTCTTTCAAGCCTCATAGAAGGCACCTCAAGACACCAGGTCATTAACATAAGCAA-3'